The following is an entry in ClinVar:

NM_005138.3(SCO2):c.201C>T (p.Phe67=)

Genes: SCO2 (synthesis of cytochrome C oxidase 2; minus strand), NCAPH2 (non-SMC condensin II complex subunit H2; plus strand). Cytogenetic location: 22q13.33.
Variant type: single nucleotide variant.
Coding change: c.201C>T on transcript NM_005138.3 (MANE Select); coding-DNA position 201, C replaced by T.
Protein change: p.Phe67=; no amino-acid change (phenylalanine 67 retained).
Molecular consequence: synonymous variant. On other transcripts: 3 prime UTR variant (2).
Genome position (GRCh38, 1-based): chr22:50,524,211, G>A on the plus strand (C>T on the coding strand, the complement: SCO2 is on the minus strand). VCF-style: chr22-50524211-G-A. GRCh37 (hg19) VCF-style: chr22-50962640-G-A.
Other names: p.F67F:TTC>TTT; p.Phe67=; c.*836G>A (NM_001185011.2, NM_152299.4); c.201C>T, p.Phe67= (NM_001169109.2, NM_001169110.1, NM_001169111.2).
Identifiers: ClinVar variation 139083 (VCV000139083.69), dbSNP rs61748568, ClinGen allele CA293441.

ClinVar aggregate classification (germline): Conflicting classifications of pathogenicity. Review status: criteria provided, conflicting classifications (1 of 4 stars). 11 submissions from 10 submitters: Uncertain significance (1); Benign (4); Likely benign (3). 3 of the submissions do not count toward it. Last evaluated 2026-02-02.

Conditions:
Cardioencephalomyopathy, fatal infantile, due to cytochrome c oxidase deficiency 1 (MC4DN2). Also called: MITOCHONDRIAL COMPLEX IV DEFICIENCY, NUCLEAR TYPE 2; CYTOCHROME c OXIDASE DEFICIENCY, FATAL INFANTILE, WITH CARDIOENCEPHALOMYOPATHY. Identifiers: Orphanet 1561, MedGen C5399977, MONDO:0011451, OMIM 604377.
Mitochondrial complex IV deficiency, nuclear type 1 (MC4DN1). Also called: Mitochondrial complex IV deficiency; COX DEFICIENCY; Complex 4 mitochondrial respiratory chain deficiency; Deficiency of mitochondrial respiratory chain complex4; Complex IV deficiency. Identifiers: MedGen C5435656, MONDO:0700250, OMIM 220110. Disease mechanism: loss of function.

Allele frequency attached by ClinVar (database versions not stated): 1000 Genomes Project 0.00060; 1000 Genomes Project 30x 0.00078; ExAC 0.00234; gnomAD 0.00240 and 0.00245; TOPMed 0.00249; ESP Exome Variant Server 0.00318.
gnomAD v4.1: 5,887 of 1,608,210 alleles (0.37%); highest among the groups gnomAD compares: Non-Finnish European, 0.45%; 18 homozygotes.

Submissions (11):

Labcorp Genetics (formerly Invitae), Labcorp
Classification: Benign. Last evaluated: 2026-02-02. Review status: criteria provided, single submitter. Criteria: Invitae Variant Classification Sherloc (09022015). Collection method: clinical testing. Allele origin: germline.

CeGaT Center for Human Genetics Tuebingen
Classification: Likely benign. Last evaluated: 2026-02-01. Review status: criteria provided, single submitter. Criteria: CeGaT Center For Human Genetics Tuebingen Variant Classification Criteria Version 2. Collection method: clinical testing. Allele origin: germline. Affected: yes. Observed: 10 variant alleles.
Comment: SCO2: BP4, BP7, BS2

Mayo Clinic Laboratories, Mayo Clinic
Classification: Benign. Last evaluated: 2025-09-22. Review status: criteria provided, single submitter. Criteria: ACMG Guidelines, 2015. Collection method: clinical testing. Allele origin: germline. Observed: 15 variant alleles.
Comment: BS1, BS2, BP4, BP7

Blueprint Genetics
Classification: Likely benign. Last evaluated: 2024-11-25. Review status: criteria provided, single submitter. Criteria: ACMG Guidelines, 2015. Collection method: clinical testing. Allele origin: germline.

ARUP Laboratories, Molecular Genetics and Genomics, ARUP Laboratories
Classification: Benign. Last evaluated: 2023-09-12. Review status: criteria provided, single submitter. Criteria: ARUP Molecular Germline Variant Investigation Process 2024. Collection method: clinical testing. Allele origin: germline.

Illumina Laboratory Services, Illumina
Classification: Uncertain significance for Mitochondrial complex IV deficiency, nuclear type 1. Last evaluated: 2018-01-13. Review status: criteria provided, single submitter. Criteria: ICSL Variant Classification Criteria 13 December 2019. Collection method: clinical testing. Allele origin: germline.

Illumina Laboratory Services, Illumina
Classification: Likely benign for Cardioencephalomyopathy, fatal infantile, due to cytochrome c oxidase deficiency 1. Last evaluated: 2018-01-13. Review status: criteria provided, single submitter. Criteria: ICSL Variant Classification Criteria 13 December 2019. Collection method: clinical testing. Allele origin: germline.
Comment: This variant was observed in the ICSL laboratory as part of a predisposition screen in an ostensibly healthy population. It had not been previously curated by ICSL or reported in the Human Gene Mutation Database (HGMD: prior to June 1st, 2018), and was therefore a candidate for classification through an automated scoring system. Utilizing variant allele frequency, disease prevalence and penetrance estimates, and inheritance mode, an automated score was calculated to assess if this variant is too frequent to cause the disease. Based on the score and internal cut-off values, a variant classified as likely benign is not then subjected to further curation. The score for this variant resulted in a classification of likely benign for this disease.

GeneDx
Classification: Benign. Last evaluated: 2013-05-08. Review status: criteria provided, single submitter. Criteria: GeneDx Variant Classification (06012015). Collection method: clinical testing. Allele origin: germline. Affected: yes.
Comment: This variant is considered likely benign or benign based on one or more of the following criteria: it is a conservative change, it occurs at a poorly conserved position in the protein, it is predicted to be benign by multiple in silico algorithms, and/or has population frequency not consistent with disease.

Clinical Genetics DNA and cytogenetics Diagnostics Lab, Erasmus MC, Erasmus Medical Center
Classification: Likely benign. Review status: no assertion criteria provided. Collection method: clinical testing. Allele origin: germline. Affected: yes. Study: VKGL Data-share Consensus. Not counted in ClinVar's aggregate classification.

Clinical Genetics, Academic Medical Center
Classification: Likely benign. Review status: no assertion criteria provided. Collection method: clinical testing. Allele origin: germline. Affected: yes. Study: VKGL Data-share Consensus. Not counted in ClinVar's aggregate classification.

Diagnostic Laboratory, Department of Genetics, University Medical Center Groningen
Classification: Likely benign. Review status: no assertion criteria provided. Collection method: clinical testing. Allele origin: germline. Affected: yes. Study: VKGL Data-share Consensus. Not counted in ClinVar's aggregate classification.